The following is an entry in ClinVar:

NM_001372.4(DNAH9):c.3343G>A (p.Val1115Ile)

Genes: DNAH9 (dynein axonemal heavy chain 9; plus strand), LOC126862505 (BRD4-independent group 4 enhancer GRCh37_chr17:11572478-11573677; plus strand). Cytogenetic location: 17p12.
Variant type: single nucleotide variant.
Coding change: c.3343G>A on transcript NM_001372.4 (MANE Select); coding-DNA position 3343, G replaced by A.
Protein change: p.Val1115Ile; replaces valine 1115 with isoleucine.
Molecular consequence: missense variant.
Genome position (GRCh38, 1-based): chr17:11,669,784, G>A. VCF-style: chr17-11669784-G-A. GRCh37 (hg19) VCF-style: chr17-11573101-G-A.
Other names: c.3343G>A (NM_001372.3); short protein forms V1115I.
Identifiers: ClinVar variation 3626570 (VCV003626570.2).
Genomic context (GRCh38, chr17:11,669,784, plus strand): 5'-TCTCTGCTGAATATTATTAAGAGGTGGAGCCTCCTGTTCAAACAGCATCTTGTGGACCAC[G>A]TCACTCACAGGTACAACAGTTGTTTTCACTTTCTTCCAGCATGCTAGGCTGTGAGGAACA-3'
Protein context (NP_001363.2, residues 1105-1125): LLFKQHLVDH[Val1115Ile]THSLANLDAF

ClinVar aggregate classification (germline): Uncertain significance. Review status: criteria provided, multiple submitters, no conflicts (2 of 4 stars). 2 submissions from 2 submitters: Uncertain significance (2). Last evaluated 2025-11-26.

Conditions:
Inborn genetic diseases. Identifiers: MedGen C0950123, MeSH D030342.

gnomAD v4.1: 32 of 1,613,400 alleles (0.002%); highest among the groups gnomAD compares: South Asian, 0.0077%; no homozygotes.

Submissions (2):

Ambry Genetics
Classification: Uncertain significance for Inborn genetic diseases. Last evaluated: 2025-11-26. Review status: criteria provided, single submitter. Criteria: Ambry Variant Classification Scheme 2023. Collection method: clinical testing. Allele origin: germline.

Labcorp Genetics (formerly Invitae), Labcorp
Classification: Uncertain significance. Last evaluated: 2024-12-16. Review status: criteria provided, single submitter. Criteria: Invitae Variant Classification Sherloc (09022015). Collection method: clinical testing. Allele origin: germline.
Comment: This sequence change replaces valine, which is neutral and non-polar, with isoleucine, which is neutral and non-polar, at codon 1115 of the DNAH9 protein (p.Val1115Ile). This variant is present in population databases (rs143003954, gnomAD 0.004%). This variant has not been reported in the literature in individuals affected with DNAH9-related conditions. An algorithm developed to predict the effect of missense changes on protein structure and function (PolyPhen-2) suggests that this variant¬†is likely to be tolerated. In summary, the available evidence is currently insufficient to determine the role of this variant in disease. Therefore, it has been classified as a Variant of Uncertain Significance.